The following is an entry in ClinVar:

NM_002900.3(RBP3):c.622A>G (p.Thr208Ala)

Gene: RBP3 (retinol binding protein 3; plus strand). Cytogenetic location: 10q11.22.
Variant type: single nucleotide variant.
Coding change: c.622A>G on transcript NM_002900.3 (MANE Select); coding-DNA position 622, A replaced by G.
Protein change: p.Thr208Ala; replaces threonine 208 with alanine.
Molecular consequence: missense variant.
Genome position (GRCh38, 1-based): chr10:47,349,106, A>G. VCF-style: chr10-47349106-A-G. GRCh37 (hg19) VCF-style: chr10-48390256-T-C.
Other names: c.622A>G (NM_002900.2); short protein forms T208A.
Identifiers: ClinVar variation 1063376 (VCV001063376.5), dbSNP rs142859988, ClinGen allele CA5487743.

ClinVar aggregate classification (germline): Uncertain significance. Review status: criteria provided, multiple submitters, no conflicts (2 of 4 stars). 2 submissions from 2 submitters: Uncertain significance (2). Last evaluated 2023-12-11.

Conditions:
Inborn genetic diseases. Identifiers: MedGen C0950123, MeSH D030342.

Allele frequency attached by ClinVar (database versions not stated): ExAC 0.00002; gnomAD exomes 0.00002; gnomAD 0.00008 and 0.00009; TOPMed 0.00009; ESP Exome Variant Server 0.00031.

Submissions (2):

Ambry Genetics
Classification: Uncertain significance for Inborn genetic diseases. Last evaluated: 2023-12-11. Review status: criteria provided, single submitter. Criteria: Ambry Variant Classification Scheme 2023. Collection method: clinical testing. Allele origin: germline.

Labcorp Genetics (formerly Invitae), Labcorp
Classification: Uncertain significance. Last evaluated: 2022-07-06. Review status: criteria provided, single submitter. Criteria: Invitae Variant Classification Sherloc (09022015). Collection method: clinical testing. Allele origin: germline.
Comment: This sequence change replaces threonine, which is neutral and polar, with alanine, which is neutral and non-polar, at codon 208 of the RBP3 protein (p.Thr208Ala). This variant is present in population databases (rs142859988, gnomAD 0.03%). This variant has not been reported in the literature in individuals affected with RBP3-related conditions. ClinVar contains an entry for this variant (Variation ID: 1063376). Algorithms developed to predict the effect of missense changes on protein structure and function are either unavailable or do not agree on the potential impact of this missense change (SIFT: "Deleterious"; PolyPhen-2: "Benign"; Align-GVGD: "Class C55"). In summary, the available evidence is currently insufficient to determine the role of this variant in disease. Therefore, it has been classified as a Variant of Uncertain Significance.